The following is an entry in ClinVar:

ClinVar aggregate classification (germline): Uncertain significance (1 of 4 stars; one submission).

Submission:

Ambry Genetics
Classification: Uncertain significance. Last evaluated: 2022-05-14. Review status: criteria provided, single submitter. Criteria: Ambry Variant Classification Scheme 2023. Collection method: clinical testing. Allele origin: germline.
Comment: The p.A241V variant (also known as c.722C>T), located in coding exon 4 of the MNDA gene, results from a C to T substitution at nucleotide position 722. The alanine at codon 241 is replaced by valine, an amino acid with similar properties. This amino acid position is conserved. In addition, this alteration is predicted to be tolerated by in silico analysis. Since supporting evidence is limited at this time, the clinical significance of this alteration remains unclear.

NM_002432.3(MNDA):c.722C>T (p.Ala241Val)

Gene: MNDA (myeloid cell nuclear differentiation antigen; plus strand). Cytogenetic location: 1q23.1.
Variant type: single nucleotide variant.
Coding change: c.722C>T on transcript NM_002432.3 (MANE Select); coding-DNA position 722, C replaced by T.
Protein change: p.Ala241Val; replaces alanine 241 with valine.
Molecular consequence: missense variant.
Genome position (GRCh38, 1-based): chr1:158,845,738, C>T. VCF-style: chr1-158845738-C-T. GRCh37 (hg19) VCF-style: chr1-158815528-C-T.
Other names: short protein forms A241V.
Identifiers: ClinVar variation 1757802 (VCV001757802.2), dbSNP rs2526087625, ClinGen allele CA343041224.
Genomic context (GRCh38, chr1:158,845,738, plus strand): 5'-CGCCATTTAAATACGAGTCCCCAGAAAATGGGAAAAGCACAATGTTTCATGCTACAGTGG[C>T]CAGTAAGACTCAATATTTCCATGTGAAAGTCTTCGACATCAACTTGAAAGAGAAATTTGT-3'
Protein context (NP_002423.1, residues 231-251): GKSTMFHATV[Ala241Val]SKTQYFHVKV